The following is an entry in ClinVar:

ClinVar aggregate classification (germline): Uncertain significance. Review status: criteria provided, multiple submitters, no conflicts (2 of 4 stars). 2 submissions from 2 submitters: Uncertain significance (2). Last evaluated 2024-11-05.

Conditions:
Mowat-Wilson syndrome (MOWS). Also called: Classic Mowat-Wilson Syndrome. Identifiers: Orphanet 2152, MedGen C1856113, MONDO:0009341, OMIM 235730.

Allele frequency attached by ClinVar (database versions not stated): TOPMed 0.00001.

Submissions (2):

Labcorp Genetics (formerly Invitae), Labcorp
Classification: Uncertain significance for Mowat-Wilson syndrome. Last evaluated: 2024-11-05. Review status: criteria provided, single submitter. Criteria: Invitae Variant Classification Sherloc (09022015). Collection method: clinical testing. Allele origin: germline.
Comment: This sequence change replaces methionine, which is neutral and non-polar, with threonine, which is neutral and polar, at codon 113 of the ZEB2 protein (p.Met113Thr). This variant is present in population databases (rs758065125, gnomAD 0.002%). This variant has not been reported in the literature in individuals affected with ZEB2-related conditions. ClinVar contains an entry for this variant (Variation ID: 1000942). An algorithm developed to predict the effect of missense changes on protein structure and function (PolyPhen-2) suggests that this variant is likely to be tolerated. In summary, the available evidence is currently insufficient to determine the role of this variant in disease. Therefore, it has been classified as a Variant of Uncertain Significance.

CeGaT Center for Human Genetics Tuebingen
Classification: Uncertain significance. Last evaluated: 2023-02-01. Review status: criteria provided, single submitter. Criteria: CeGaT Center For Human Genetics Tuebingen Variant Classification Criteria Version 2. Collection method: clinical testing. Allele origin: germline. Affected: yes. Observed: 1 variant allele.
Comment: ZEB2: PM2, PP2, BP5

NM_014795.4(ZEB2):c.338T>C (p.Met113Thr)

Gene: ZEB2 (zinc finger E-box binding homeobox 2; minus strand). Cytogenetic location: 2q22.3.
Variant type: single nucleotide variant.
Coding change: c.338T>C on transcript NM_014795.4 (MANE Select); coding-DNA position 338, T replaced by C.
Protein change: p.Met113Thr; replaces methionine 113 with threonine.
Molecular consequence: missense variant. On other transcripts: intron variant (1).
Genome position (GRCh38, 1-based): chr2:144,424,861, A>G on the plus strand (T>C on the coding strand, the complement: ZEB2 is on the minus strand). VCF-style: chr2-144424861-A-G. GRCh37 (hg19) VCF-style: chr2-145182428-A-G.
Other names: c.331+4908T>C (NM_001171653.2); short protein forms M113T.
Identifiers: ClinVar variation 1000942 (VCV001000942.32), dbSNP rs758065125, ClinGen allele CA1898544.
Genomic context (GRCh38, chr2:144,424,861, plus strand): 5'-CCATTGTTAATTGCGGTCTGGATCGTGGCTTCTGGCCCCATAGTGTCATAGTCTTCCTTC[A>G]TTTCTTCTGTGGGGGAAAATTATCTTTAGCATTTGAGAATTGTAGAAAGGCTTACTATAC-3'
Protein context (NP_055610.1, residues 103-123): LQASVDGPEE[Met113Thr]KEDYDTMGPE